The following is an entry in ClinVar:

ClinVar aggregate classification (germline): Uncertain significance (1 of 4 stars; one submission).

gnomAD v4.1: 11 of 1,611,822 alleles (0.00068%); highest among the groups gnomAD compares: African/African-American, 0.004%; no homozygotes.

Submission:

Ambry Genetics
Classification: Uncertain significance. Last evaluated: 2025-01-08. Review status: criteria provided, single submitter. Criteria: Ambry Variant Classification Scheme 2023. Collection method: clinical testing. Allele origin: germline.
Comment: The p.R1292Q variant (also known as c.3875G>A), located in coding exon 17 of the WNK2 gene, results from a G to A substitution at nucleotide position 3875. The arginine at codon 1292 is replaced by glutamine, an amino acid with highly similar properties. This amino acid position is conserved. In addition, this alteration is predicted to be tolerated by in silico analysis. Based on the available evidence, the clinical significance of this variant remains unclear.

NM_006648.4(WNK2):c.3875G>A (p.Arg1292Gln)

Gene: WNK2 (WNK lysine deficient protein kinase 2; plus strand). Cytogenetic location: 9q22.31.
Variant type: single nucleotide variant.
Coding change: c.3875G>A on transcript NM_006648.4 (MANE Select); coding-DNA position 3875, G replaced by A.
Protein change: p.Arg1292Gln; replaces arginine 1292 with glutamine.
Molecular consequence: missense variant.
Genome position (GRCh38, 1-based): chr9:93,268,027, G>A. VCF-style: chr9-93268027-G-A. GRCh37 (hg19) VCF-style: chr9-96030309-G-A.
Other names: c.3875G>A, p.Arg1292Gln (NM_001282394.3); short protein forms R1292Q.
Identifiers: ClinVar variation 3816783 (VCV003816783.1).
Genomic context (GRCh38, chr9:93,268,027, plus strand): 5'-CAGGTGGGCGCTGCAGCTCAGTGGGCTCATTTCTGACCCTCCACCTCATTCAGGAGAGCC[G>A]ACAATCCCAAGCCAACGCCCCCGTGTATCAGCAGAACGGTGAGTCTGCAACTTCCCTCCC-3'
Protein context (NP_006639.3, residues 1282-1302): TCGLGTGEES[Arg1292Gln]QSQANAPVYQ